The following is an entry in ClinVar:

ClinVar aggregate classification (germline): Benign/Likely benign. Review status: criteria provided, multiple submitters, no conflicts (2 of 4 stars). 5 submissions from 5 submitters: Benign (1); Likely benign (4). Last evaluated 2025-12-26.

Conditions:
Renal hypomagnesemia 2 (HOMG2). Also called: MAGNESIUM LOSS, ISOLATED RENAL. Identifiers: Orphanet 34528, MedGen C1835171, MONDO:0007937, OMIM 154020.
FXYD2-related disorder. Also called: FXYD2-related condition.

Allele frequency attached by ClinVar (database versions not stated): TOPMed 0.00022; ESP Exome Variant Server 0.00023.
gnomAD v4.1: 694 of 1,613,904 alleles (0.043%); highest among the groups gnomAD compares: Non-Finnish European, 0.056%; no homozygotes.

Submissions (5):

PreventionGenetics, part of Exact Sciences
Classification: Likely benign for FXYD2-related condition. Last evaluated: 2025-12-26. Review status: criteria provided, single submitter. Criteria: ACMG Guidelines, 2015. Collection method: clinical testing. Allele origin: germline.
Comment: This variant is classified as likely benign based on ACMG/AMP sequence variant interpretation guidelines (Richards et al. 2015 PMID: 25741868, with internal and published modifications).

Labcorp Genetics (formerly Invitae), Labcorp
Classification: Likely benign. Last evaluated: 2025-06-12. Review status: criteria provided, single submitter. Criteria: Invitae Variant Classification Sherloc (09022015). Collection method: clinical testing. Allele origin: germline.

Fulgent Genetics
Classification: Likely benign for Renal hypomagnesemia 2. Last evaluated: 2021-12-30. Review status: criteria provided, single submitter. Criteria: ACMG Guidelines, 2015. Collection method: clinical testing. Allele origin: unknown.

Illumina Laboratory Services, Illumina
Classification: Benign for Renal hypomagnesemia 2. Last evaluated: 2018-01-13. Review status: criteria provided, single submitter. Criteria: ICSL Variant Classification Criteria 13 December 2019. Collection method: clinical testing. Allele origin: germline.
Comment: This variant was observed in the ICSL laboratory as part of a predisposition screen in an ostensibly healthy population. It had not been previously curated by ICSL or reported in the Human Gene Mutation Database (HGMD: prior to June 1st, 2018), and was therefore a candidate for classification through an automated scoring system. Utilizing variant allele frequency, disease prevalence and penetrance estimates, and inheritance mode, an automated score was calculated to assess if this variant is too frequent to cause the disease. Based on the score and internal cut-off values, a variant classified as benign is not then subjected to further curation. The score for this variant resulted in a classification of benign for this disease.

Breakthrough Genomics
Classification: Likely benign. Review status: criteria provided, single submitter. Criteria: ACMG Guidelines, 2015. Collection method: not provided. Allele origin: germline. Inheritance: Autosomal dominant inheritance. Affected: yes.

NM_001680.5(FXYD2):c.198G>T (p.Pro66=)

Genes: FXYD2 (FXYD domain containing ion transport regulator 2; minus strand), FXYD6-FXYD2 (FXYD6-FXYD2 readthrough; minus strand). Cytogenetic location: 11q23.3.
Variant type: single nucleotide variant.
Coding change: c.198G>T on transcript NM_001680.5 (MANE Select); coding-DNA position 198, G replaced by T.
Protein change: p.Pro66=; no amino-acid change (proline 66 retained).
Molecular consequence: synonymous variant. On other transcripts: 3 prime UTR variant (1).
Genome position (GRCh38, 1-based): chr11:117,820,675, C>A on the plus strand (G>T on the coding strand, the complement: FXYD2 is on the minus strand). VCF-style: chr11-117820675-C-A. GRCh37 (hg19) VCF-style: chr11-117691390-C-A.
Other names: c.432G>T, p.Pro144= (NM_001204268.3); c.*31G>T (NM_001243598.4); c.192G>T, p.Pro64= (NM_021603.4).
Identifiers: ClinVar variation 724848 (VCV000724848.14), dbSNP rs149353193, ClinGen allele CA6297744.